The following is an entry in ClinVar:

NM_001375524.1(TRRAP):c.7076C>T (p.Thr2359Ile)

Gene: TRRAP (transformation/transcription domain associated protein; plus strand). Cytogenetic location: 7q22.1.
Variant type: single nucleotide variant.
Coding change: c.7076C>T on transcript NM_001375524.1 (MANE Select); coding-DNA position 7076, C replaced by T.
Protein change: p.Thr2359Ile; replaces threonine 2359 with isoleucine.
Molecular consequence: missense variant.
Genome position (GRCh38, 1-based): chr7:98,965,795, C>T. VCF-style: chr7-98965795-C-T. GRCh37 (hg19) VCF-style: chr7-98563418-C-T.
Other names: c.7055C>T, p.Thr2352Ile (NM_001244580.2); c.7001C>T, p.Thr2334Ile (NM_003496.4); short protein forms T2334I, T2352I, T2359I.
Identifiers: ClinVar variation 3903020 (VCV003903020.1).
Genomic context (GRCh38, chr7:98,965,795, plus strand): 5'-AGACGCGCCTGGCAGTGATGAGCATGGAGATGCGGAAGAACTTCATCCAGGCCATCCTGA[C>T]ATCCCTCATCGAAAAATCACCAGATGCCAAAATCCTCCGGGCTGTGGTCAAAATCGTGGA-3'
Protein context (NP_001362453.1, residues 2349-2369): MRKNFIQAIL[Thr2359Ile]SLIEKSPDAK

ClinVar aggregate classification (germline): Uncertain significance (1 of 4 stars; one submission).

Submission:

GeneDx
Classification: Uncertain significance. Last evaluated: 2024-12-12. Review status: criteria provided, single submitter. Criteria: GeneDx Variant Classification Process June 2021. Collection method: clinical testing. Allele origin: germline. Affected: yes.
Comment: Not observed at significant frequency in large population cohorts (gnomAD); In silico analysis indicates that this missense variant does not alter protein structure/function; Has not been previously published as pathogenic or benign to our knowledge